The following is an entry in ClinVar:

NM_033087.4(ALG2):c.214G>A (p.Gly72Arg)

Gene: ALG2 (ALG2 alpha-1,3/1,6-mannosyltransferase; minus strand). Cytogenetic location: 9q22.33.
Variant type: single nucleotide variant.
Coding change: c.214G>A on transcript NM_033087.4 (MANE Select); coding-DNA position 214, G replaced by A.
Protein change: p.Gly72Arg; replaces glycine 72 with arginine.
Molecular consequence: missense variant. On other transcripts: non-coding transcript variant (1).
Genome position (GRCh38, 1-based): chr9:99,221,681, C>T on the plus strand (G>A on the coding strand, the complement: ALG2 is on the minus strand). VCF-style: chr9-99221681-C-T. GRCh37 (hg19) VCF-style: chr9-101983963-C-T.
Other names: short protein forms G72R.
Identifiers: ClinVar variation 1062878 (VCV001062878.9), dbSNP rs745813432, ClinGen allele CA374231872.

ClinVar aggregate classification (germline): Uncertain significance (1 of 4 stars; one submission).

Conditions:
Congenital myasthenic syndrome 14. Also called: Myasthenic syndrome, congenital, 14, with tubular aggregates. Identifiers: Orphanet 353327, Orphanet 590, MedGen C4015597, MONDO:0014543, OMIM 616228.
Congenital disorder of glycosylation, type Ii. Also called: ALG2-CDG; CDG Ii; ALG2-congenital disorder of glycosylation. Identifiers: Orphanet 79326, MedGen C1842836, MONDO:0011933, OMIM 607906.

Submission:

Labcorp Genetics (formerly Invitae), Labcorp
Classification: Uncertain significance for Congenital disorder of glycosylation, type Ii; Congenital myasthenic syndrome 14. Last evaluated: 2022-08-23. Review status: criteria provided, single submitter. Criteria: Invitae Variant Classification Sherloc (09022015). Collection method: clinical testing. Allele origin: germline.
Comment: Algorithms developed to predict the effect of sequence changes on RNA splicing suggest that this variant may create or strengthen a splice site. Algorithms developed to predict the effect of missense changes on protein structure and function are either unavailable or do not agree on the potential impact of this missense change (SIFT: "Tolerated"; PolyPhen-2: "Probably Damaging"; Align-GVGD: "Class C0"). ClinVar contains an entry for this variant (Variation ID: 1062878). This variant has not been reported in the literature in individuals affected with ALG2-related conditions. This variant is not present in population databases (gnomAD no frequency). This sequence change replaces glycine, which is neutral and non-polar, with arginine, which is basic and polar, at codon 72 of the ALG2 protein (p.Gly72Arg). In summary, the available evidence is currently insufficient to determine the role of this variant in disease. Therefore, it has been classified as a Variant of Uncertain Significance.